The following is an entry in ClinVar:

ClinVar aggregate classification (germline): Uncertain significance (1 of 4 stars; one submission).

Submission:

Labcorp Genetics (formerly Invitae), Labcorp
Classification: Uncertain significance. Last evaluated: 2023-04-20. Review status: criteria provided, single submitter. Criteria: Invitae Variant Classification Sherloc (09022015). Collection method: clinical testing. Allele origin: germline.
Comment: In summary, the available evidence is currently insufficient to determine the role of this variant in disease. Therefore, it has been classified as a Variant of Uncertain Significance. Advanced modeling of protein sequence and biophysical properties (such as structural, functional, and spatial information, amino acid conservation, physicochemical variation, residue mobility, and thermodynamic stability) performed at Invitae indicates that this missense variant is expected to disrupt GNB1 protein function. This variant has not been reported in the literature in individuals affected with GNB1-related conditions. This variant is not present in population databases (gnomAD no frequency). This sequence change replaces aspartic acid, which is acidic and polar, with glutamic acid, which is acidic and polar, at codon 170 of the GNB1 protein (p.Asp170Glu).

NM_002074.5(GNB1):c.510C>G (p.Asp170Glu)

Gene: GNB1 (G protein subunit beta 1; minus strand). Cytogenetic location: 1p36.33.
Variant type: single nucleotide variant.
Coding change: c.510C>G on transcript NM_002074.5 (MANE Select); coding-DNA position 510, C replaced by G.
Protein change: p.Asp170Glu; replaces aspartic acid 170 with glutamic acid.
Molecular consequence: missense variant.
Genome position (GRCh38, 1-based): chr1:1,790,584, G>C on the plus strand (C>G on the coding strand, the complement: GNB1 is on the minus strand). VCF-style: chr1-1790584-G-C. GRCh37 (hg19) VCF-style: chr1-1722023-G-C.
Other names: c.210C>G, p.Asp70Glu (NM_001282538.2); c.510C>G, p.Asp170Glu (NM_001282539.2); short protein forms D70E, D170E.
Identifiers: ClinVar variation 2857915 (VCV002857915.3), dbSNP rs186894090, ClinGen allele CA337907163.
Genomic context (GRCh38, chr1:1,790,584, plus strand): 5'-AAGGCTCATGACATCTCCAGTGTGTCCGGTAAACGTGGTCGTCTGCTGGCCGGTCTCGAT[G>C]TCCCACAGGGCACTGGAGCAGGAGCGAATGACAAGGGGACATCAGCCTTAACTTCTTGGG-3'
Protein context (NP_002065.1, residues 160-180): SSGDTTCALW[Asp170Glu]IETGQQTTTF